The following is an entry in ClinVar:

NM_030665.4(RAI1):c.4556A>G (p.Gln1519Arg)

Gene: RAI1 (retinoic acid induced 1; plus strand). Cytogenetic location: 17p11.2.
Variant type: single nucleotide variant.
Coding change: c.4556A>G on transcript NM_030665.4 (MANE Select); coding-DNA position 4556, A replaced by G.
Protein change: p.Gln1519Arg; replaces glutamine 1519 with arginine.
Molecular consequence: missense variant.
Genome position (GRCh38, 1-based): chr17:17,797,504, A>G. VCF-style: chr17-17797504-A-G. GRCh37 (hg19) VCF-style: chr17-17700818-A-G.
Other names: short protein forms Q1519R.
Identifiers: ClinVar variation 1312996 (VCV001312996.2), dbSNP rs2143003079, ClinGen allele CA398557026.

ClinVar aggregate classification (germline): Likely benign (1 of 4 stars; one submission).

Submission:

GeneDx
Classification: Likely benign. Last evaluated: 2023-01-10. Review status: criteria provided, single submitter. Criteria: GeneDx Variant Classification Process June 2021. Collection method: clinical testing. Allele origin: germline. Affected: yes.
Comment: See Variant Classification Assertion Criteria.